The following is an entry in ClinVar:

ClinVar aggregate classification (germline): Benign. Review status: criteria provided, multiple submitters, no conflicts (2 of 4 stars). 3 submissions from 3 submitters: Benign (2). 1 of the submissions does not count toward it. Last evaluated 2026-02-03.

Conditions:
UNC80-related disorder. Also called: UNC80-related condition.

Allele frequency attached by ClinVar (database versions not stated): gnomAD exomes 0.00133 and 0.00330; ExAC 0.00453; ESP Exome Variant Server 0.01183; 1000 Genomes Project 0.01218; 1000 Genomes Project 30x 0.01327; TOPMed 0.01336; gnomAD 0.01342 and 0.01440.
gnomAD v4.1: 4,047 of 1,551,686 alleles (0.26%); highest among the groups gnomAD compares: African/African-American, 4.4%; 98 homozygotes.

Submissions (3):

Labcorp Genetics (formerly Invitae), Labcorp
Classification: Benign. Last evaluated: 2026-02-03. Review status: criteria provided, single submitter. Criteria: Invitae Variant Classification Sherloc (09022015). Collection method: clinical testing. Allele origin: germline.

Breakthrough Genomics
Classification: Benign. Review status: criteria provided, single submitter. Criteria: ACMG Guidelines, 2015. Collection method: not provided. Allele origin: germline. Inheritance: Autosomal recessive inheritance. Affected: yes.

PreventionGenetics, part of Exact Sciences
Classification: Benign for UNC80-related condition. Last evaluated: 2019-07-19. Review status: no assertion criteria provided. Collection method: clinical testing. Allele origin: germline. Not counted in ClinVar's aggregate classification.
Comment: This variant is classified as benign based on ACMG/AMP sequence variant interpretation guidelines (Richards et al. 2015 PMID: 25741868, with internal and published modifications).

NM_001371986.1(UNC80):c.3264G>A (p.Lys1088=)

Gene: UNC80 (unc-80 subunit of NALCN channel complex; plus strand). Cytogenetic location: 2q34.
Variant type: single nucleotide variant.
Coding change: c.3264G>A on transcript NM_001371986.1 (MANE Select); coding-DNA position 3264, G replaced by A.
Protein change: p.Lys1088=; no amino-acid change (lysine 1088 retained).
Molecular consequence: synonymous variant.
Genome position (GRCh38, 1-based): chr2:209,840,555, G>A. VCF-style: chr2-209840555-G-A. GRCh37 (hg19) VCF-style: chr2-210705279-G-A.
Other names: c.3270G>A, p.Lys1090= (NM_032504.2); c.3255G>A, p.Lys1085= (NM_182587.4).
Identifiers: ClinVar variation 789571 (VCV000789571.14), dbSNP rs116304707, ClinGen allele CA2083108.